The following is an entry in ClinVar:

NM_000444.6(PHEX):c.1434T>A (p.Tyr478Ter)

Genes: PHEX-AS1 (PHEX antisense RNA 1; minus strand), PHEX (phosphate regulating endopeptidase homolog X-linked; plus strand). Cytogenetic location: Xp22.11.
Variant type: single nucleotide variant.
Coding change: c.1434T>A on transcript NM_000444.6 (MANE Select); coding-DNA position 1434, T replaced by A.
Protein change: p.Tyr478Ter; replaces tyrosine 478 with a stop codon.
Molecular consequence: nonsense.
Genome position (GRCh38, 1-based): chrX:22,168,341, T>A. VCF-style: chrX-22168341-T-A. GRCh37 (hg19) VCF-style: chrX-22186458-T-A.
Other names: c.1434T>A, p.Tyr478Ter (NM_001282754.2); short protein forms Y478*.
Identifiers: ClinVar variation 280073 (VCV000280073.2), dbSNP rs886041360, ClinGen allele CA10603645.

ClinVar aggregate classification (germline): Pathogenic (1 of 4 stars; one submission).

Submission:

GeneDx
Classification: Pathogenic. Last evaluated: 2018-11-05. Review status: criteria provided, single submitter. Criteria: GeneDx Variant Classification (06012015). Collection method: clinical testing. Allele origin: germline. Affected: yes.
Comment: The Y478X nonsense variant in the PHEX gene has been reported previously in a patient with hypophosphatemic rickets (Rowe et al., 1997). This pathogenic variant is predicted to cause loss of normal protein function either through protein truncation or nonsense-mediated mRNA decay. In addition, the Y478X variant was not observed in approximately 6,500 individuals of European and African American ancestry in the NHLBI Exome Sequencing Project, indicating it is not a common benign variant in these populations. Therefore, we consider the Y478X variant to be pathogenic.